The following is an entry in ClinVar:

NM_000059.4(BRCA2):c.3222_3225del (p.Ser1074fs)

Gene: BRCA2 (BRCA2 DNA repair associated; plus strand). Cytogenetic location: 13q13.1.
Variant type: Deletion.
Coding change: c.3222_3225del on transcript NM_000059.4 (MANE Select); coding-DNA positions 3222 to 3225, 4 bases deleted (TAGT; older notation c.3222_3225delTAGT).
Protein change: p.Ser1074fs; shifts the reading frame from serine 1074.
Molecular consequence: frameshift variant.
Genome position (GRCh38, 1-based): chr13:32,337,577-32,337,580, TAGT deleted. VCF-style (leftmost placement, unchanged base first): chr13-32337576-GTAGT-G. GRCh37 (hg19) VCF-style: chr13-32911713-GTAGT-G.
Other names: c.3222_3225delTAGT (NM_000059.3); short protein forms S1074fs.
Identifiers: ClinVar variation 431303 (VCV000431303.1), dbSNP rs1135401899, ClinGen allele CA645372953.

ClinVar aggregate classification (germline): Pathogenic. Review status: reviewed by expert panel (3 of 4 stars). 2 submissions from 2 submitters: Pathogenic (1). 1 of the submissions does not count toward it. Last evaluated 2017-12-15.

Conditions:
Breast-ovarian cancer, familial, susceptibility to, 2 (BROVCA2). Also called: BRCA2 Hereditary Breast and Ovarian Cancer. Identifiers: Orphanet 145, MedGen C2675520, MONDO:0012933, OMIM 612555. Disease mechanism: loss of function.
Hereditary breast ovarian cancer syndrome. Also called: BRCA1- and BRCA2-Associated Hereditary Breast and Ovarian Cancer; Hereditary breast and/or ovarian cancer syndrome; Hereditary breast and ovarian cancer; Hereditary breast and ovarian cancer syndrome; Hereditary breast and ovarian cancer syndrome (HBOC); Breast and ovarian cancer. Identifiers: Orphanet 145, MedGen C0677776, MeSH D061325, MONDO:0003582. Disease mechanism: loss of function.

Submissions (2):

Evidence-based Network for the Interpretation of Germline Mutant Alleles (ENIGMA)
Classification: Pathogenic for Breast-ovarian cancer, familial, susceptibility to, 2. Last evaluated: 2017-12-15. Review status: reviewed by expert panel. Criteria: ENIGMA BRCA1/2 Classification Criteria (2017-06-29). Collection method: curation. Allele origin: germline. Study: ENIGMA.
Comment: Variant allele predicted to encode a truncated non-functional protein.

Research Molecular Genetics Laboratory, Women's College Hospital, University of Toronto
Classification: Pathogenic for Hereditary breast ovarian cancer syndrome. Last evaluated: 2014-01-31. Review status: no assertion criteria provided. Collection method: research. Allele origin: germline. Affected: yes. Study: The Canadian Open Genetics Repository (COGR). Not counted in ClinVar's aggregate classification.